The following is an entry in ClinVar:

ClinVar aggregate classification (germline): Uncertain significance. Review status: criteria provided, multiple submitters, no conflicts (2 of 4 stars). 4 submissions from 4 submitters: Uncertain significance (4). Last evaluated 2025-07-29.

Conditions:
Familial cancer of breast. Also called: hereditary breast carcinoma; BREAST CANCER, FAMILIAL; Hereditary breast cancer. Identifiers: Orphanet 227535, MedGen C0346153, MONDO:0016419, OMIM 114480. Disease mechanism: loss of function.
Hereditary cancer-predisposing syndrome. Also called: Hereditary Cancer Syndrome; Tumor predisposition; Neoplastic Syndromes, Hereditary; Hereditary neoplastic syndrome. Identifiers: Orphanet 140162, MedGen C0027672, MeSH D009386, MONDO:0015356.
Ataxia-telangiectasia syndrome (AT). Also called: ATAXIA-TELANGIECTASIA, FRESNO VARIANT; Ataxia-telangiectasia, complementation group E; Ataxia telangiectasia (A-T); Cerebello-oculocutaneous telangiectasia; Immunodeficiency with ataxia telangiectasia; LOUIS-BAR SYNDROME. Identifiers: Orphanet 100, MedGen C0004135, MONDO:0008840, OMIM 208900.

Allele frequency attached by ClinVar (database versions not stated): gnomAD exomes below 0.00001; TOPMed 0.00001.
gnomAD v4.1: 1 of 1,612,676 alleles (0.000062%); highest among the groups gnomAD compares: Admixed American, 0.0017%; no homozygotes.

Submissions (4):

Ambry Genetics
Classification: Uncertain significance for Hereditary cancer-predisposing syndrome. Last evaluated: 2025-07-29. Review status: criteria provided, single submitter. Criteria: Ambry Variant Classification Scheme 2023. Collection method: clinical testing. Allele origin: germline.
Comment: The p.D130E variant (also known as c.390T>G), located in coding exon 4 of the ATM gene, results from a T to G substitution at nucleotide position 390. The aspartic acid at codon 130 is replaced by glutamic acid, an amino acid with highly similar properties. This alteration was identified in a cohort of 1040 patients with advanced cancer; however, specific clinical information on this individual was not provided (Mandelker D et al. JAMA, 2017 09;318:825-835). This amino acid position is well conserved in available vertebrate species. In addition, this alteration is predicted to be tolerated by in silico analysis. Based on the available evidence, the clinical significance of this variant remains unclear.

Labcorp Genetics (formerly Invitae), Labcorp
Classification: Uncertain significance for Ataxia-telangiectasia syndrome. Last evaluated: 2024-05-14. Review status: criteria provided, single submitter. Criteria: Invitae Variant Classification Sherloc (09022015). Collection method: clinical testing. Allele origin: germline.
Comment: This sequence change replaces aspartic acid, which is acidic and polar, with glutamic acid, which is acidic and polar, at codon 130 of the ATM protein (p.Asp130Glu). This variant is not present in population databases (gnomAD no frequency). This variant has not been reported in the literature in individuals affected with ATM-related conditions. ClinVar contains an entry for this variant (Variation ID: 648619). An algorithm developed to predict the effect of missense changes on protein structure and function (PolyPhen-2) suggests that this variant¬†is likely to be tolerated. In summary, the available evidence is currently insufficient to determine the role of this variant in disease. Therefore, it has been classified as a Variant of Uncertain Significance.

Baylor Genetics
Classification: Uncertain significance for Familial cancer of breast. Last evaluated: 2024-02-06. Review status: criteria provided, single submitter. Criteria: ACMG Guidelines, 2015. Collection method: clinical testing. Allele origin: unknown.

GeneDx
Classification: Uncertain significance. Last evaluated: 2020-01-16. Review status: criteria provided, single submitter. Criteria: GeneDx Variant Classification Process June 2021. Collection method: clinical testing. Allele origin: germline. Affected: yes.
Comment: Not observed in large population cohorts (Lek 2016); In silico analysis, which includes protein predictors and evolutionary conservation, supports that this variant does not alter protein structure/function; Has not been previously published as pathogenic or benign to our knowledge

NM_000051.4(ATM):c.390T>G (p.Asp130Glu)

Gene: ATM (ATM serine/threonine kinase; plus strand). Cytogenetic location: 11q22.3.
Variant type: single nucleotide variant.
Coding change: c.390T>G on transcript NM_000051.4 (MANE Select); coding-DNA position 390, T replaced by G.
Protein change: p.Asp130Glu; replaces aspartic acid 130 with glutamic acid.
Molecular consequence: missense variant.
Genome position (GRCh38, 1-based): chr11:108,235,728, T>G. VCF-style: chr11-108235728-T-G. GRCh37 (hg19) VCF-style: chr11-108106455-T-G.
Other names: c.390T>G, p.Asp130Glu (NM_001351834.2); short protein forms D130E.
Identifiers: ClinVar variation 648619 (VCV000648619.13), dbSNP rs1565356801, ClinGen allele CA382524875.
Genomic context (GRCh38, chr11:108,235,728, plus strand): 5'-AGGAGCACCTAGGCTAAAATGTCAAGAACTCTTAAATTATATCATGGATACAGTGAAAGA[T>G]TCATCTAATGGTGCTATTTACGGAGCTGATTGTAGCAACATACTACTCAAAGACATTCTT-3'
Protein context (NP_000042.3, residues 120-140): LLNYIMDTVK[Asp130Glu]SSNGAIYGAD